The following continues an entry in ClinVar:

NM_000156.6(GAMT):c.522G>A (p.Trp174Ter)

Gene: GAMT. ClinVar aggregate classification (germline): Pathogenic. Pathogenic (1).

Submissions 10 to 13 of 13:

Revvity Omics, Revvity
Classification: Pathogenic for Deficiency of guanidinoacetate methyltransferase. Last evaluated: 2019-07-31. Review status: criteria provided, single submitter. Criteria: ACMG Guidelines, 2015. Collection method: clinical testing. Allele origin: germline. Not counted in ClinVar's aggregate classification.

Women's Health and Genetics/Laboratory Corporation of America, LabCorp
Classification: Pathogenic for Deficiency of guanidinoacetate methyltransferase. Last evaluated: 2018-10-22. Review status: criteria provided, single submitter. Criteria: LabCorp Variant Classification Summary - May 2015. Collection method: clinical testing. Allele origin: germline. Not counted in ClinVar's aggregate classification.
Comment: Variant summary: GAMT c.522G>A (p.Trp174X) results in a premature termination codon, predicted to cause a truncation of the encoded protein or absence of the protein due to nonsense mediated decay, which are commonly known mechanisms for disease. The variant allele was found at a frequency of 2.8e-05 in 246008 control chromosomes (gnomAD). c.522G>A has been reported in the literature in multiple individuals affected with creatine deficiency syndromes and Guanidinoactetate methyltransferase deficiency. These data indicate that the variant is very likely to be associated with disease. To our knowledge, no experimental evidence demonstrating an impact on protein function has been reported. Three ClinVar submissions from clinical diagnostic laboratories (evaluation after 2014) cites the variant as pathogenic. Based on the evidence outlined above, the variant was classified as pathogenic.

Illumina Laboratory Services, Illumina
Classification: Pathogenic for Deficiency of guanidinoacetate methyltransferase. Last evaluated: 2017-04-27. Review status: criteria provided, single submitter. Criteria: ICSL Variant Classification Criteria 09 May 2019. Collection method: clinical testing. Allele origin: germline. Not counted in ClinVar's aggregate classification.
Comment: The GAMT c.522G>A (p.Trp174Ter) variant has been reported in at least six studies and is found in at least eight individuals with guanidinoacetate methyltransferase (GAMT) deficiency in a compound heterozygous state, including one affected sibling pair (Verhoeven et al. 2005; Morris et al. 2007; Dhar et al. 2009; Viau et al. 2013; El-Gharbawy et al. 2013; Comeaux et al. 2013). Across the studies, individuals displayed a biochemical profile consistent with GAMT deficiency including decreased creatine and elevated guanidinoacetate (GAA) levels in urine or serum as compared to controls or laboratory reference values. Additionally, Morris et al. (2007) demonstrated no detectable GAMT activity in individual fibroblasts. Control data are unavailable for this variant, which is reported at a frequency of 0.00006 in the European (non-Finnish) population of the Exome Aggregation Consortium. Based on the evidence and due to the potential impact of stop-gained variants, the p.Trp174Ter variant is classified as pathogenic for guanidinoacetate methyltransferase deficiency. This variant was observed by ICSL as part of a predisposition screen in an ostensibly healthy population.

OMIM
Classification: Pathogenic for CEREBRAL CREATINE DEFICIENCY SYNDROME 2. Last evaluated: 2022-06-23. Review status: no assertion criteria provided. Collection method: literature only. Allele origin: germline. Not counted in ClinVar's aggregate classification.

Literature cited by the submitters: PubMed 15108290 (cited by Labcorp Genetics (formerly Invitae), Labcorp); PubMed 17171576 (cited by 3 submitters); PubMed 19027335 (cited by 3 submitters); PubMed 23583224 (cited by Labcorp Genetics (formerly Invitae), Labcorp and Illumina Laboratory Services, Illumina); PubMed 23660394 (cited by 3 submitters); PubMed 24071436 (cited by Labcorp Genetics (formerly Invitae), Labcorp and Illumina Laboratory Services, Illumina); PubMed 24268530 (cited by Labcorp Genetics (formerly Invitae), Labcorp); PubMed 16169544 (cited by Illumina Laboratory Services, Illumina); PubMed 34389248 (cited by OMIM).